The following is an entry in ClinVar:

ClinVar aggregate classification (germline): Uncertain significance (1 of 4 stars; one submission).

Conditions:
MKKS-related disorder. Also called: MKKS-related disorders; MKKS-related condition.

gnomAD v4.1: 5 of 1,614,002 alleles (0.00031%); highest among the groups gnomAD compares: Non-Finnish European, 0.00042%; no homozygotes.

Submission:

PreventionGenetics, part of Exact Sciences
Classification: Uncertain significance for MKKS-related condition. Last evaluated: 2026-04-13. Review status: criteria provided, single submitter. Criteria: ACMG Guidelines, 2015. Collection method: clinical testing. Allele origin: germline.
Comment: The MKKS c.-8G>A variant is located in the 5' untranslated region. To our knowledge, this variant has not been reported in the literature. This variant is reported in 0.00089% of alleles in individuals of European (Non-Finnish) descent in gnomAD. At this time, the clinical significance of this variant is uncertain due to the absence of conclusive functional and genetic evidence.

NM_170784.3(MKKS):c.-8G>A

Gene: MKKS (MKKS centrosomal shuttling protein; minus strand). Cytogenetic location: 20p12.2.
Variant type: single nucleotide variant.
Coding change: c.-8G>A on transcript NM_170784.3 (MANE Select); 8 bases upstream of the start codon, G replaced by A.
Molecular consequence: 5 prime UTR variant.
Genome position (GRCh38, 1-based): chr20:10,413,522, C>T on the plus strand (G>A on the coding strand, the complement: MKKS is on the minus strand). VCF-style: chr20-10413522-C-T. GRCh37 (hg19) VCF-style: chr20-10394170-C-T.
Other names: c.-8G>A (NM_018848.3).
Identifiers: ClinVar variation 4984763 (VCV004984763.1).
Genomic context (GRCh38, chr20:10,413,522, plus strand): 5'-GTCAGTGGTTCACTCTTACACAATGATGGCTTCTTAGCTTCCAAACGAGACATCTTACTT[C>T]AGGTGGTAACTAGTGAAGACCGTTTTTATTTTGTAAACCACATTTTTCTATTTATTGCAT-3'